The following is an entry in ClinVar:

ClinVar aggregate classification (germline): Pathogenic (1 of 4 stars; one submission).

Conditions:
Joubert syndrome. Also called: Familial aplasia of the vermis; CEREBELLOPARENCHYMAL DISORDER IV; JOUBERT-BOLTSHAUSER SYNDROME. Identifiers: Orphanet 475, MedGen C5979921, MONDO:0018772.
Meckel-Gruber syndrome. Also called: Dysencephalia splachnocystica; DYSENCEPHALIA SPLANCHNOCYSTICA; GRUBER SYNDROME. Identifiers: Orphanet 564, MedGen C0265215, MONDO:0018921.
Nephronophthisis. Also called: Juvenile Nephronophthisis. Identifiers: Orphanet 655, MedGen C0687120, MONDO:0019005, HP:0000090.

Submission:

Labcorp Genetics (formerly Invitae), Labcorp
Classification: Pathogenic for Joubert syndrome; Meckel-Gruber syndrome; Nephronophthisis. Last evaluated: 2020-03-19. Review status: criteria provided, single submitter. Criteria: Invitae Variant Classification Sherloc (09022015). Collection method: clinical testing. Allele origin: germline.
Comment: Loss-of-function variants in CEP290 are known to be pathogenic (PMID: 16909394, 17345604, 20690115, 25377065, 28559085). This sequence change creates a premature translational stop signal (p.His1783Leufs*4) in the CEP290 gene. It is expected to result in an absent or disrupted protein product. This variant is not present in population databases (ExAC no frequency). This variant has not been reported in the literature in individuals with CEP290-related conditions. For these reasons, this variant has been classified as Pathogenic.

Literature cited by the submitters: PubMed 16909394; PubMed 17345604; PubMed 20690115; PubMed 25377065; PubMed 28559085.

NM_025114.4(CEP290):c.5348_5351del (p.His1783fs)

Gene: CEP290 (centrosomal protein 290; minus strand). Cytogenetic location: 12q21.32.
Variant type: Deletion.
Coding change: c.5348_5351del on transcript NM_025114.4 (MANE Select); coding-DNA positions 5348 to 5351, 4 bases deleted (ATAC; older notation c.5348_5351delATAC).
Protein change: p.His1783fs; shifts the reading frame from histidine 1783.
Molecular consequence: frameshift variant.
Genome position (GRCh38, 1-based): chr12:88,079,105-88,079,108, GTAT deleted on the plus strand (ATAC on the coding strand, the reverse complement: CEP290 is on the minus strand); deleting any 4 consecutive bases within chr12:88,079,105-88,079,110 gives the same sequence; the c. name uses the placement nearest the transcript's 3' end. VCF-style (leftmost placement, unchanged base first): chr12-88079104-AGTAT-A. GRCh37 (hg19) VCF-style: chr12-88472881-AGTAT-A.
Other names: short protein forms H1783fs.
Identifiers: ClinVar variation 1068669 (VCV001068669.7), dbSNP rs2137080156, ClinGen allele CA2499221871.